The following is an entry in ClinVar:

NM_000553.6(WRN):c.1431+3A>G

Gene: WRN (WRN RecQ like helicase; plus strand). Cytogenetic location: 8p12.
Variant type: single nucleotide variant.
Coding change: c.1431+3A>G on transcript NM_000553.6 (MANE Select); 3 bases into the intron after coding-DNA position 1431, A replaced by G.
Molecular consequence: intron variant.
Genome position (GRCh38, 1-based): chr8:31,085,249, A>G. VCF-style: chr8-31085249-A-G. GRCh37 (hg19) VCF-style: chr8-30942765-A-G.
Identifiers: ClinVar variation 1472970 (VCV001472970.6), dbSNP rs2130140837, ClinGen allele CA2573142718.

ClinVar aggregate classification (germline): Uncertain significance (1 of 4 stars; one submission).

Conditions:
Werner syndrome (WRN). Identifiers: Orphanet 902, MedGen C0043119, MONDO:0010196, OMIM 277700.

gnomAD v4.1: 2 of 1,612,690 alleles (0.00012%); highest among the groups gnomAD compares: South Asian, 0.0022%; no homozygotes.

Submission:

Labcorp Genetics (formerly Invitae), Labcorp
Classification: Uncertain significance for Werner syndrome. Last evaluated: 2022-03-31. Review status: criteria provided, single submitter. Criteria: Invitae Variant Classification Sherloc (09022015). Collection method: clinical testing. Allele origin: germline.
Comment: In summary, the available evidence is currently insufficient to determine the role of this variant in disease. Therefore, it has been classified as a Variant of Uncertain Significance. Variants that disrupt the consensus splice site are a relatively common cause of aberrant splicing (PMID: 17576681, 9536098). Algorithms developed to predict the effect of sequence changes on RNA splicing suggest that this variant may disrupt the consensus splice site. This variant has not been reported in the literature in individuals affected with WRN-related conditions. This variant is not present in population databases (gnomAD no frequency). This sequence change falls in intron 11 of the WRN gene. It does not directly change the encoded amino acid sequence of the WRN protein. It affects a nucleotide within the consensus splice site.

Literature cited by the submitters: PubMed 17576681; PubMed 9536098.